The following is an entry in ClinVar:

NM_001114753.3(ENG):c.569T>A (p.Met190Lys)

Gene: ENG (endoglin; minus strand). Cytogenetic location: 9q34.11.
Variant type: single nucleotide variant.
Coding change: c.569T>A on transcript NM_001114753.3 (MANE Select); coding-DNA position 569, T replaced by A.
Protein change: p.Met190Lys; replaces methionine 190 with lysine.
Molecular consequence: missense variant.
Genome position (GRCh38, 1-based): chr9:127,825,815, A>T on the plus strand (T>A on the coding strand, the complement: ENG is on the minus strand). VCF-style: chr9-127825815-A-T. GRCh37 (hg19) VCF-style: chr9-130588094-A-T.
Other names: c.569T>A, p.Met190Lys (NM_000118.4, NM_001406715.1); c.23T>A, p.Met8Lys (NM_001278138.2); short protein forms M190K, M8K.
Identifiers: ClinVar variation 956747 (VCV000956747.18), dbSNP rs1830602163, ClinGen allele CA374983712.

ClinVar aggregate classification (germline): Conflicting classifications of pathogenicity. Review status: criteria provided, conflicting classifications (1 of 4 stars). 3 submissions from 3 submitters: Pathogenic (1); Likely pathogenic (1); Uncertain significance (1). Last evaluated 2026-02-26.

Conditions:
Hereditary hemorrhagic telangiectasia (HHT). Also called: Osler hemorrhagic telangiectasia syndrome; ORW DISEASE; Osler Weber Rendu syndrome; OSLER-RENDU-WEBER DISEASE. Identifiers: Orphanet 774, MedGen C0039445, MONDO:0019180. Disease mechanism: loss of function.
Cardiovascular phenotype. Identifiers: MedGen CN230736.

Submissions (3):

Ambry Genetics
Classification: Likely pathogenic for Cardiovascular phenotype. Last evaluated: 2026-02-26. Review status: criteria provided, single submitter. Criteria: Ambry Variant Classification Scheme 2023. Collection method: clinical testing. Allele origin: germline.
Comment: The p.M190K variant (also known as c.569T>A), located in coding exon 5 of the ENG gene, results from a T to A substitution at nucleotide position 569. The methionine at codon 190 is replaced by lysine, an amino acid with similar properties. This variant was reported in individual(s) with features consistent with hereditary hemorrhagic telangiectasia (HHT) (Ambry internal data; external communication). This amino acid position is highly conserved in available vertebrate species. In addition, the in silico prediction for this alteration is inconclusive. This variant is considered to be rare based on population cohorts in the Genome Aggregation Database (gnomAD). Based on the majority of available evidence to date, this variant is likely to be pathogenic.

Labcorp Genetics (formerly Invitae), Labcorp
Classification: Pathogenic for Hereditary hemorrhagic telangiectasia. Last evaluated: 2025-05-22. Review status: criteria provided, single submitter. Criteria: Invitae Variant Classification Sherloc (09022015). Collection method: clinical testing. Allele origin: germline.
Comment: This sequence change replaces methionine, which is neutral and non-polar, with lysine, which is basic and polar, at codon 190 of the ENG protein (p.Met190Lys). This variant is not present in population databases (gnomAD no frequency). This missense change has been observed in individual(s) with clinical features of hereditary hemorrhagic telangiectasia (internal data). It has also been observed to segregate with disease in related individuals. ClinVar contains an entry for this variant (Variation ID: 956747). Invitae Evidence Modeling of protein sequence and biophysical properties (such as structural, functional, and spatial information, amino acid conservation, physicochemical variation, residue mobility, and thermodynamic stability) has been performed for this missense variant. However, the output from this modeling did not meet the statistical confidence thresholds required to predict the impact of this variant on ENG protein function. For these reasons, this variant has been classified as Pathogenic.

Mayo Clinic Laboratories, Mayo Clinic
Classification: Uncertain significance. Last evaluated: 2021-03-09. Review status: criteria provided, single submitter. Criteria: ACMG Guidelines, 2015. Collection method: clinical testing. Allele origin: germline. Observed: 1 variant allele.